The following is an entry in ClinVar:

NM_001017995.3(SH3PXD2B):c.*1511A>G

Gene: SH3PXD2B (SH3 and PX domains 2B; minus strand). Cytogenetic location: 5q35.1.
Variant type: single nucleotide variant.
Coding change: c.*1511A>G on transcript NM_001017995.3 (MANE Select); 1511 bases downstream of the stop codon, A replaced by G.
Molecular consequence: 3 prime UTR variant. On other transcripts: intron variant (1).
Genome position (GRCh38, 1-based): chr5:172,336,858, T>C on the plus strand (A>G on the coding strand, the complement: SH3PXD2B is on the minus strand). VCF-style: chr5-172336858-T-C. GRCh37 (hg19) VCF-style: chr5-171763862-T-C.
Other names: c.1188+9278A>G (NM_001308175.2).
Identifiers: ClinVar variation 352770 (VCV000352770.5), dbSNP rs869366, ClinGen allele CA10624161.
Genomic context (GRCh38, chr5:172,336,858, plus strand): 5'-GGTCCTGATTTTGCTTCTGCAGTGATTTAGTCATGCCTCTCCAGACCTCAGTTTGACAGA[T>C]GACCACATCTGCCCTGGGTTTCTTCAAGGGAGAAAACAGATTTGGCAGTGCGTGAAAAAA-3'

ClinVar aggregate classification (germline): Benign (1 of 4 stars; one submission).

Conditions:
Frank-Ter Haar syndrome. Also called: BORRONE DERMATOCARDIOSKELETAL SYNDROME; TER HAAR SYNDROME; MELNICK-NEEDLES SYNDROME, AUTOSOMAL RECESSIVE; Borrone di Rocco Crovato syndrome. Identifiers: Orphanet 1266, Orphanet 137834, MedGen C1855305, MONDO:0009579, OMIM 249420.

Allele frequency attached by ClinVar (database versions not stated): gnomAD 0.51400 and 0.52150; TOPMed 0.51548; 1000 Genomes Project 30x 0.55247; 1000 Genomes Project 0.55272.
gnomAD v4.1: 519,916 of 985,078 alleles (53%); highest among the groups gnomAD compares: South Asian, 74%; 138,036 homozygotes.

Submission:

Illumina Laboratory Services, Illumina
Classification: Benign for Frank-Ter Haar syndrome. Last evaluated: 2018-01-12. Review status: criteria provided, single submitter. Criteria: ICSL Variant Classification Criteria 13 December 2019. Collection method: clinical testing. Allele origin: germline.
Comment: This variant was observed in the ICSL laboratory as part of a predisposition screen in an ostensibly healthy population. It had not been previously curated by ICSL or reported in the Human Gene Mutation Database (HGMD: prior to June 1st, 2018), and was therefore a candidate for classification through an automated scoring system. Utilizing variant allele frequency, disease prevalence and penetrance estimates, and inheritance mode, an automated score was calculated to assess if this variant is too frequent to cause the disease. Based on the score and internal cut-off values, a variant classified as benign is not then subjected to further curation. The score for this variant resulted in a classification of benign for this disease.